The following is an entry in ClinVar:

NM_173598.6(KSR2):c.918C>T (p.Thr306=)

Gene: KSR2 (kinase suppressor of ras 2; minus strand). Cytogenetic location: 12q24.23.
Variant type: single nucleotide variant.
Coding change: c.918C>T on transcript NM_173598.6 (MANE Select); coding-DNA position 918, C replaced by T.
Protein change: p.Thr306=; no amino-acid change (threonine 306 retained).
Molecular consequence: synonymous variant.
Genome position (GRCh38, 1-based): chr12:117,761,079, G>A on the plus strand (C>T on the coding strand, the complement: KSR2 is on the minus strand). VCF-style: chr12-117761079-G-A. GRCh37 (hg19) VCF-style: chr12-118198884-G-A.
Identifiers: ClinVar variation 3358108 (VCV003358108.1).

ClinVar aggregate classification (germline): Likely benign (0 of 4 stars; one submission).

Conditions:
KSR2-related disorder. Also called: KSR2-related condition.

gnomAD v4.1: 13 of 1,613,660 alleles (0.00081%); highest among the groups gnomAD compares: African/African-American, 0.0067%; no homozygotes.

Submission:

PreventionGenetics, part of Exact Sciences
Classification: Likely benign for KSR2-related condition. Last evaluated: 2021-09-30. Review status: no assertion criteria provided. Collection method: clinical testing. Allele origin: germline.
Comment: This variant is classified as likely benign based on ACMG/AMP sequence variant interpretation guidelines (Richards et al. 2015 PMID: 25741868, with internal and published modifications).